The following is an entry in ClinVar:

NM_203446.3(SYNJ1):c.549G>A (p.Met183Ile)

Gene: SYNJ1 (synaptojanin 1; minus strand). Cytogenetic location: 21q22.11.
Variant type: single nucleotide variant.
Coding change: c.549G>A on transcript NM_203446.3 (MANE Select); coding-DNA position 549, G replaced by A.
Protein change: p.Met183Ile; replaces methionine 183 with isoleucine.
Molecular consequence: missense variant.
Genome position (GRCh38, 1-based): chr21:32,695,213, C>T on the plus strand (G>A on the coding strand, the complement: SYNJ1 is on the minus strand). VCF-style: chr21-32695213-C-T. GRCh37 (hg19) VCF-style: chr21-34067523-C-T.
Other names: c.549G>A, p.Met183Ile (NM_001160302.2, NM_001160306.2); c.666G>A, p.Met222Ile (NM_003895.4); short protein forms M183I, M222I.
Identifiers: ClinVar variation 1016682 (VCV001016682.9), dbSNP rs760573856, ClinGen allele CA10004109.

ClinVar aggregate classification (germline): Uncertain significance (1 of 4 stars; one submission).

Conditions:
Early-onset Parkinson disease 20. Also called: PARKINSON DISEASE 20, AUTOSOMAL RECESSIVE EARLY-ONSET. Identifiers: Orphanet 391411, MedGen C3809824, MONDO:0014233, OMIM 615530.
Developmental and epileptic encephalopathy, 53. Also called: Epileptic encephalopathy, early infantile, 53. Identifiers: MedGen C4479313, MONDO:0033362, OMIM 617389.

Allele frequency attached by ClinVar (database versions not stated): gnomAD 0.00001; gnomAD exomes 0.00001; TOPMed 0.00001; ExAC 0.00002.

Submission:

Labcorp Genetics (formerly Invitae), Labcorp
Classification: Uncertain significance for Developmental and epileptic encephalopathy, 53; Early-onset Parkinson disease 20. Last evaluated: 2022-12-02. Review status: criteria provided, single submitter. Criteria: Invitae Variant Classification Sherloc (09022015). Collection method: clinical testing. Allele origin: germline.
Comment: In summary, the available evidence is currently insufficient to determine the role of this variant in disease. Therefore, it has been classified as a Variant of Uncertain Significance. Advanced modeling of protein sequence and biophysical properties (such as structural, functional, and spatial information, amino acid conservation, physicochemical variation, residue mobility, and thermodynamic stability) performed at Invitae indicates that this missense variant is not expected to disrupt SYNJ1 protein function. ClinVar contains an entry for this variant (Variation ID: 1016682). This variant has not been reported in the literature in individuals affected with SYNJ1-related conditions. This variant is present in population databases (rs760573856, gnomAD 0.01%). This sequence change replaces methionine, which is neutral and non-polar, with isoleucine, which is neutral and non-polar, at codon 222 of the SYNJ1 protein (p.Met222Ile).